The following is an entry in ClinVar:

ClinVar aggregate classification (germline): Uncertain significance (1 of 4 stars; one submission).

Conditions:
Inborn genetic diseases. Identifiers: MedGen C0950123, MeSH D030342.

Allele frequency attached by ClinVar (database versions not stated): gnomAD exomes below 0.00001.
gnomAD v4.1: 1 of 1,613,250 alleles (0.000062%); highest among the groups gnomAD compares: Non-Finnish European, 0.000085%; no homozygotes.

Submission:

Ambry Genetics
Classification: Uncertain significance for Inborn genetic diseases. Last evaluated: 2022-05-26. Review status: criteria provided, single submitter. Criteria: Ambry Variant Classification Scheme 2023. Collection method: clinical testing. Allele origin: germline.
Comment: The p.I1868T variant (also known as c.5603T>C), located in coding exon 38 of the LRRK2 gene, results from a T to C substitution at nucleotide position 5603. The isoleucine at codon 1868 is replaced by threonine, an amino acid with similar properties. This amino acid position is conserved. In addition, this alteration is predicted to be tolerated by in silico analysis. Since supporting evidence is limited at this time, the clinical significance of this alteration remains unclear.

NM_198578.4(LRRK2):c.5603T>C (p.Ile1868Thr)

Gene: LRRK2 (leucine rich repeat kinase 2; plus strand). Cytogenetic location: 12q12.
Variant type: single nucleotide variant.
Coding change: c.5603T>C on transcript NM_198578.4 (MANE Select); coding-DNA position 5603, T replaced by C.
Protein change: p.Ile1868Thr; replaces isoleucine 1868 with threonine.
Molecular consequence: missense variant.
Genome position (GRCh38, 1-based): chr12:40,323,253, T>C. VCF-style: chr12-40323253-T-C. GRCh37 (hg19) VCF-style: chr12-40717055-T-C.
Other names: short protein forms I1868T.
Identifiers: ClinVar variation 1748586 (VCV001748586.2), dbSNP rs2499889143, ClinGen allele CA384421147.
Genomic context (GRCh38, chr12:40,323,253, plus strand): 5'-TCACCATTCCAATATCTCAGATTGCCCCTGACTTGATTTTGGCTGACCTGCCTAGAAATA[T>C]TATGTTGAATAATGATGAGTTGGAATTTGAACAAGCTCCAGAGTTTCTCCTAGGTAATTC-3'
Protein context (NP_940980.4, residues 1858-1878): DLILADLPRN[Ile1868Thr]MLNNDELEFE